The following is an entry in ClinVar:

ClinVar aggregate classification (germline): Likely benign (1 of 4 stars; one submission).

Submission:

CeGaT Center for Human Genetics Tuebingen
Classification: Likely benign. Last evaluated: 2026-03-01. Review status: criteria provided, single submitter. Criteria: CeGaT Center For Human Genetics Tuebingen Variant Classification Criteria Version 2. Collection method: clinical testing. Allele origin: germline. Affected: yes. Observed: 2 variant alleles.
Comment: RBMXL3: BP4, BP7

NM_001145346.2(RBMXL3):c.1464C>T (p.Pro488=)

Genes: LRCH2 (leucine rich repeats and calponin homology domain containing 2; minus strand), RBMXL3 (RBMX like 3; plus strand). Cytogenetic location: Xq23.
Variant type: single nucleotide variant.
Coding change: c.1464C>T on transcript NM_001145346.2 (MANE Select); coding-DNA position 1464, C replaced by T.
Protein change: p.Pro488=; no amino-acid change (proline 488 retained).
Molecular consequence: synonymous variant. On other transcripts: intron variant (2).
Genome position (GRCh38, 1-based): chrX:115,190,905, C>T. VCF-style: chrX-115190905-C-T. GRCh37 (hg19) VCF-style: chrX-114425468-C-T.
Other names: c.350-2535G>A (NM_001243963.2, NM_020871.4).
Identifiers: ClinVar variation 2661235 (VCV002661235.24), dbSNP rs1556558311, ClinGen allele CA518442628.